The following is an entry in ClinVar:

ClinVar aggregate classification (germline): Uncertain significance. Review status: criteria provided, multiple submitters, no conflicts (2 of 4 stars). 2 submissions from 2 submitters: Uncertain significance (2). Last evaluated 2024-12-21.

Conditions:
Microcephaly 7, primary, autosomal recessive. Identifiers: Orphanet 2512, MedGen C2675187, MONDO:0012989, OMIM 612703.

Allele frequency attached by ClinVar (database versions not stated): gnomAD exomes below 0.00001 and 0.00001; gnomAD 0.00001; ExAC 0.00002; TOPMed 0.00005.
gnomAD v4.1: 10 of 1,610,914 alleles (0.00062%); highest among the groups gnomAD compares: Admixed American, 0.013%; no homozygotes.

Submissions (2):

GeneDx
Classification: Uncertain significance. Last evaluated: 2024-12-21. Review status: criteria provided, single submitter. Criteria: GeneDx Variant Classification Process June 2021. Collection method: clinical testing. Allele origin: germline. Affected: yes.
Comment: Not observed at significant frequency in large population cohorts (gnomAD); In silico analysis supports that this missense variant has a deleterious effect on protein structure/function; Has not been previously published as pathogenic or benign to our knowledge

Department of Pathology and Laboratory Medicine, Sinai Health System
Classification: Uncertain significance for Microcephaly 7, primary, autosomal recessive. Last evaluated: 2023-01-04. Review status: criteria provided, single submitter. Criteria: ACMG Guidelines, 2015. Collection method: research. Allele origin: germline.

NM_001048166.1(STIL):c.1231C>A (p.His411Asn)

Gene: STIL (STIL centriolar assembly protein; minus strand). Cytogenetic location: 1p33.
Variant type: single nucleotide variant.
Coding change: c.1231C>A on transcript NM_001048166.1 (MANE Select); coding-DNA position 1231, C replaced by A.
Protein change: p.His411Asn; replaces histidine 411 with asparagine.
Molecular consequence: missense variant.
Genome position (GRCh38, 1-based): chr1:47,282,362, G>T on the plus strand (C>A on the coding strand, the complement: STIL is on the minus strand). VCF-style: chr1-47282362-G-T. GRCh37 (hg19) VCF-style: chr1-47748034-G-T.
Other names: c.1231C>A, p.His411Asn (NM_001282936.1, NM_001282937.1, NM_003035.2); c.1090C>A, p.His364Asn (NM_001282938.1, NM_001282939.1, NM_001377417.1); short protein forms H364N, H411N.
Identifiers: ClinVar variation 1302667 (VCV001302667.4), dbSNP rs746778024, ClinGen allele CA842396.